The following is an entry in ClinVar:

NM_001276270.2(MBD4):c.662ATG[1] (p.Asp222del)

Gene: MBD4 (methyl-CpG binding domain 4, DNA glycosylase; minus strand). Cytogenetic location: 3q21.3.
Variant type: Microsatellite.
Coding change: c.662ATG[1] on transcript NM_001276270.2 (MANE Select); one copy of the 3-base unit ATG starting at c.662; the reference has two copies in a row; one copy, 3 bases deleted.
Protein change: p.Asp222del; deletes aspartic acid 222.
Molecular consequence: inframe deletion. On other transcripts: intron variant (1).
Genome position (GRCh38, 1-based): chr3:129,436,977-129,436,979, CAT deleted on the plus strand (ATG on the coding strand, the reverse complement: MBD4 is on the minus strand); deleting any 3 consecutive bases within chr3:129,436,977-129,436,984 gives the same sequence; the position shown is the placement nearest the transcript's 3' end. VCF-style (leftmost placement, unchanged base first): chr3-129436976-ACAT-A. GRCh37 (hg19) VCF-style: chr3-129155819-ACAT-A.
Other names: c.665_667delATG (NM_001276270.2); c.662ATG[1], p.Asp222del (NM_001276271.2, NM_001276272.2, NM_003925.3); c.247+829_247+831del (NM_001276273.2); short protein forms D222del.
Identifiers: ClinVar variation 2081862 (VCV002081862.5), dbSNP rs1559801086, ClinGen allele CA546417540.
Genomic context (GRCh38, chr3:129,436,976, plus strand): 5'-ATTGGGATTCCTTTCAAAATAGTCACCTTTCCTTTGGGCTTTCTAACCTTTCTGAAGTTA[ACAT>A]CATCAACACCCTCATCTTCTTTCAAAAGCAAATGAGTGGAAGTAAAGTTAGAGAGTCCTC-3'

ClinVar aggregate classification (germline): Uncertain significance. Review status: criteria provided, multiple submitters, no conflicts (2 of 4 stars). 2 submissions from 2 submitters: Uncertain significance (2). Last evaluated 2025-12-28.

Conditions:
Inborn genetic diseases. Identifiers: MedGen C0950123, MeSH D030342.

Submissions (2):

Labcorp Genetics (formerly Invitae), Labcorp
Classification: Uncertain significance. Last evaluated: 2025-12-28. Review status: criteria provided, single submitter. Criteria: Invitae Variant Classification Sherloc (09022015). Collection method: clinical testing. Allele origin: germline.
Comment: This variant, c.665_667del, results in the deletion of 1 amino acid(s) of the MBD4 protein (p.Asp222del), but otherwise preserves the integrity of the reading frame. This variant is present in population databases (no rsID available, gnomAD 0.006%). This variant has not been reported in the literature in individuals affected with MBD4-related conditions. Experimental studies and prediction algorithms are not available or were not evaluated, and the functional significance of this variant is currently unknown. In summary, the available evidence is currently insufficient to determine the role of this variant in disease. Therefore, it has been classified as a Variant of Uncertain Significance.

Ambry Genetics
Classification: Uncertain significance for Inborn genetic diseases. Last evaluated: 2025-07-01. Review status: criteria provided, single submitter. Criteria: Ambry Variant Classification Scheme 2023. Collection method: clinical testing. Allele origin: germline.
Comment: The c.665_667delATG variant (also known as p.D222del) is located in coding exon 3 of the MBD4 gene. This variant results from an in-frame ATG deletion at nucleotide positions 665 to 667. This results in the in-frame deletion of an aspartic acid at codon 222. This amino acid position is not well conserved in available vertebrate species. In addition, this variant is predicted to be neutral by in silico analysis (Choi Y et al. PLoS ONE. 2012; 7(10):e46688). Based on the available evidence, the clinical significance of this variant remains unclear.